The following is an entry in ClinVar:

NM_004208.4(AIFM1):c.1378G>A (p.Val460Met)

Genes: AIFM1 (apoptosis inducing factor mitochondria associated 1; minus strand), RAB33A (RAB33A, member RAS oncogene family; plus strand). Cytogenetic location: Xq26.1.
Variant type: single nucleotide variant.
Coding change: c.1378G>A on transcript NM_004208.4 (MANE Select); coding-DNA position 1378, G replaced by A.
Protein change: p.Val460Met; replaces valine 460 with methionine.
Molecular consequence: missense variant. On other transcripts: 3 prime UTR variant (1), non-coding transcript variant (1).
Genome position (GRCh38, 1-based): chrX:130,133,383, C>T on the plus strand (G>A on the coding strand, the complement: AIFM1 is on the minus strand). VCF-style: chrX-130133383-C-T. GRCh37 (hg19) VCF-style: chrX-129267358-C-T.
Other names: c.361G>A, p.Val121Met (NM_001130846.4); c.*606G>A (NM_001130847.4); c.1366G>A, p.Val456Met (NM_145812.3); short protein forms V456M, V121M, V460M.
Identifiers: ClinVar variation 2161586 (VCV002161586.4), dbSNP rs2523110277, ClinGen allele CA414573476.
Genomic context (GRCh38, chrX:130,133,383, plus strand): 5'-ACTGATGCCAGTACGGCTTAGCAGCTCCAGTCATATTTTCTCCAGCCAATCTTCCACTCA[C>T]AACAGCGTGATCATGGTGCTCTACCCGCCTCCTTCCCAACTTTATATCGTAGAAGCATGC-3'
Protein context (NP_004199.1, residues 450-470): RRVEHHDHAV[Val460Met]SGRLAGENMT

ClinVar aggregate classification (germline): Uncertain significance (1 of 4 stars; one submission).

Conditions:
Charcot-Marie-Tooth Neuropathy X. Identifiers: MedGen CN118851.
Combined oxidative phosphorylation deficiency. Identifiers: MedGen C4540031, MONDO:0000732.

Allele frequency attached by ClinVar (database versions not stated): gnomAD exomes below 0.00001.
gnomAD v4.1: 2 of 1,211,074 alleles (0.00017%); highest among the groups gnomAD compares: Non-Finnish European, 0.00022%; no homozygotes.

Submission:

Labcorp Genetics (formerly Invitae), Labcorp
Classification: Uncertain significance for Charcot-Marie-Tooth Neuropathy X; Combined oxidative phosphorylation deficiency. Last evaluated: 2022-03-01. Review status: criteria provided, single submitter. Criteria: Invitae Variant Classification Sherloc (09022015). Collection method: clinical testing. Allele origin: germline.
Comment: This variant is not present in population databases (gnomAD no frequency). In summary, the available evidence is currently insufficient to determine the role of this variant in disease. Therefore, it has been classified as a Variant of Uncertain Significance. Algorithms developed to predict the effect of sequence changes on RNA splicing suggest that this variant may disrupt the consensus splice site. Algorithms developed to predict the effect of missense changes on protein structure and function are either unavailable or do not agree on the potential impact of this missense change (SIFT: "Deleterious"; PolyPhen-2: "Benign"; Align-GVGD: "Class C0"). This variant has not been reported in the literature in individuals affected with AIFM1-related conditions. This sequence change replaces valine, which is neutral and non-polar, with methionine, which is neutral and non-polar, at codon 460 of the AIFM1 protein (p.Val460Met).